The following is an entry in ClinVar:

NM_000552.5(VWF):c.2341C>G (p.Leu781Val)

Gene: VWF (von Willebrand factor; minus strand). Cytogenetic location: 12p13.31.
Variant type: single nucleotide variant.
Coding change: c.2341C>G on transcript NM_000552.5 (MANE Select); coding-DNA position 2341, C replaced by G.
Protein change: p.Leu781Val; replaces leucine 781 with valine.
Molecular consequence: missense variant.
Genome position (GRCh38, 1-based): chr12:6,044,392, G>C on the plus strand (C>G on the coding strand, the complement: VWF is on the minus strand). VCF-style: chr12-6044392-G-C. GRCh37 (hg19) VCF-style: chr12-6153558-G-C.
Other names: short protein forms L781V.
Identifiers: ClinVar variation 2429694 (VCV002429694.2), dbSNP rs189056533, ClinGen allele CA383522318.

ClinVar aggregate classification (germline): Uncertain significance (1 of 4 stars; one submission).

gnomAD v4.1: 1 of 1,614,240 alleles (0.000062%); highest among the groups gnomAD compares: Non-Finnish European, 0.000085%; no homozygotes.

Submission:

GeneDx
Classification: Uncertain significance. Last evaluated: 2025-01-17. Review status: criteria provided, single submitter. Criteria: GeneDx Variant Classification Process June 2021. Collection method: clinical testing. Allele origin: germline. Affected: yes.
Comment: Not observed at significant frequency in large population cohorts (gnomAD); In silico analysis indicates that this missense variant does not alter protein structure/function; Has not been previously published as pathogenic or benign to our knowledge